The following is an entry in ClinVar:

ClinVar aggregate classification (germline): Uncertain significance (1 of 4 stars; one submission).

Submission:

CeGaT Center for Human Genetics Tuebingen
Classification: Uncertain significance. Last evaluated: 2026-04-01. Review status: criteria provided, single submitter. Criteria: CeGaT Center For Human Genetics Tuebingen Variant Classification Criteria Version 2. Collection method: clinical testing. Allele origin: germline. Affected: yes. Observed: 1 variant allele.
Comment: KCNN2: PM2, PM5:Supporting, PP2, PP3

NM_021614.4(KCNN2):c.1780G>C (p.Gly594Arg)

Genes: KCNN2 (potassium calcium-activated channel subfamily N member 2; plus strand), KCNN2-AS1 (KCNN2 antisense RNA 1; minus strand). Cytogenetic location: 5q22.3.
Variant type: single nucleotide variant.
Coding change: c.1780G>C on transcript NM_021614.4 (MANE Select); coding-DNA position 1780, G replaced by C.
Protein change: p.Gly594Arg; replaces glycine 594 with arginine.
Molecular consequence: missense variant. On other transcripts: non-coding transcript variant (2).
Genome position (GRCh38, 1-based): chr5:114,473,054, G>C. VCF-style: chr5-114473054-G-C. GRCh37 (hg19) VCF-style: chr5-113808751-G-C.
Other names: c.1978G>C, p.Gly660Arg (NM_001372233.1); c.100G>C, p.Gly34Arg (NM_170775.3); short protein forms G34R, G594R, G660R.
Identifiers: ClinVar variation 4874472 (VCV004874472.2).